The following is an entry in ClinVar:

NM_000642.3(AGL):c.3652C>T (p.Arg1218Ter)

Gene: AGL (amylo-alpha-1,6-glucosidase and 4-alpha-glucanotransferase; plus strand). Cytogenetic location: 1p21.2.
Variant type: single nucleotide variant.
Coding change: c.3652C>T on transcript NM_000642.3 (MANE Select); coding-DNA position 3652, C replaced by T.
Protein change: p.Arg1218Ter; replaces arginine 1218 with a stop codon.
Molecular consequence: nonsense.
Genome position (GRCh38, 1-based): chr1:99,902,746, C>T. VCF-style: chr1-99902746-C-T. GRCh37 (hg19) VCF-style: chr1-100368302-C-T.
Other names: c.3652C>T, p.Arg1218Ter (NM_000028.3, NM_000643.3, NM_000644.3 and 1 more transcripts); c.3604C>T, p.Arg1202Ter (NM_000646.3); c.3631C>T, p.Arg1211Ter (NM_001425326.1); c.3451C>T, p.Arg1151Ter (NM_001425327.1); c.3448C>T, p.Arg1150Ter (NM_001425328.1); c.3313C>T, p.Arg1105Ter (NM_001425329.1); c.3274C>T, p.Arg1092Ter (NM_001425332.1); short protein forms R1218*, R1202*, R1092*, R1105*, R1150*, R1151*, R1211*.
Identifiers: ClinVar variation 456492 (VCV000456492.21), dbSNP rs771853367, ClinGen allele CA967165.

ClinVar aggregate classification (germline): Pathogenic. Review status: criteria provided, multiple submitters, no conflicts (2 of 4 stars). 9 submissions from 9 submitters: Pathogenic (8). 1 of the submissions does not count toward it. Last evaluated 2025-12-03.

Conditions:
AGL-related disorder. Also called: AGL-related condition.
Glycogen storage disease type III (GSD3). Also called: Cori disease; FORBES DISEASE. Identifiers: Orphanet 366, MedGen C0017922, MONDO:0009291, OMIM 232400.

Allele frequency attached by ClinVar (database versions not stated): ExAC 0.00001; TOPMed 0.00001; gnomAD 0.00003.
gnomAD v4.1: 11 of 1,613,276 alleles (0.00068%); highest among the groups gnomAD compares: Admixed American, 0.0017%; no homozygotes.

Submissions (9):

Labcorp Genetics (formerly Invitae), Labcorp
Classification: Pathogenic for Glycogen storage disease type III. Last evaluated: 2025-12-03. Review status: criteria provided, single submitter. Criteria: Invitae Variant Classification Sherloc (09022015). Collection method: clinical testing. Allele origin: germline.
Comment: This sequence change creates a premature translational stop signal (p.Arg1218*) in the AGL gene. It is expected to result in an absent or disrupted protein product. Loss-of-function variants in AGL are known to be pathogenic (PMID: 19299494). This variant is present in population databases (rs771853367, gnomAD 0.003%). This premature translational stop signal has been observed in individual(s) with glycogen storage disease type III (PMID: 11977176). ClinVar contains an entry for this variant (Variation ID: 456492). Algorithms developed to predict the effect of sequence changes on RNA splicing suggest that this variant may disrupt the consensus splice site. For these reasons, this variant has been classified as Pathogenic.

Dasa
Classification: Pathogenic. Last evaluated: 2025-11-19. Review status: criteria provided, single submitter. Criteria: DASA Assertion Criteria. Collection method: clinical testing. Allele origin: germline.
Comment: NM_000642.3(AGL):c.3652C>T (p.Arg1218*) introduces a premature termination codon predicted to result in loss of normal protein function. Loss-of-function is an established mechanism of disease for this gene. This variant has been observed in affected individuals with related phenotype in a genotype context consistent with recessive disease (PMID: 38623712). This variant has been reported in individuals with related phenotype (PMID: 38623712). The variant is present at low frequency in population datasets. Based on the available data, this variant is classified as pathogenic.

Natera, Inc.
Classification: Pathogenic for Glycogen storage disease type III. Last evaluated: 2024-08-15. Review status: criteria provided, single submitter. Criteria: Natera Variant Classification Schema (03/2026). Collection method: clinical testing. Allele origin: germline.
Comment: The c.3652C>T variant in AGL is a nonsense variant predicted to introduce a stop codon at amino acid 1218. This variant is expected to result in nonsense mediated decay, truncation, or a dysfunctional protein product. This variant is rare in the general population with a frequency below the threshold expected for the associated phenotype(s). This variant has been observed in one or more individuals affected with the associated recessive disease, as either homozygous or compound heterozygous with a second variant (PMID: 11977176, 31661040, 25451950, 26984562). Given the available evidence, this variant is classified as Pathogenic.

3billion
Classification: Pathogenic for Glycogen storage disease type III. Last evaluated: 2023-12-26. Review status: criteria provided, single submitter. Criteria: ACMG Guidelines, 2015. Collection method: clinical testing. Allele origin: germline. Affected: yes.
Comment: The variant is observed at an extremely low frequency in the gnomAD v2.1.1 dataset (total allele frequency: 0.001%). Predicted Consequence/Location: Stop-gained (nonsense): predicted to result in a loss or disruption of normal protein function through nonsense-mediated decay (NMD) or protein truncation. Multiple pathogenic variants are reported downstream of the variant. The variant has been reported at least twice as pathogenic with clinical assertions and evidence for the classification (ClinVar ID: VCV000456492 /PMID: 11977176). Therefore, this variant is classified as Pathogenic according to the recommendation of ACMG/AMP guideline.

Blueprint Genetics
Classification: Pathogenic for AGL-related disorders. Last evaluated: 2022-07-11. Review status: criteria provided, single submitter. Criteria: ACMG Guidelines, 2015. Collection method: clinical testing. Allele origin: germline. Affected: yes. Observed: 4 variant alleles.

Genome-Nilou Lab
Classification: Pathogenic for Glycogen storage disease type III. Last evaluated: 2021-07-15. Review status: criteria provided, single submitter. Criteria: ACMG Guidelines, 2015. Collection method: clinical testing. Allele origin: germline. Affected: no.

Eurofins Ntd Llc (ga)
Classification: Pathogenic. Last evaluated: 2017-11-20. Review status: criteria provided, single submitter. Criteria: EGL Classification Definitions 2015. Collection method: clinical testing. Allele origin: germline. Observed: 1 variant allele, 1 heterozygote.

Neuberg Centre For Genomic Medicine, NCGM
Classification: Pathogenic for Glycogen storage disease type III. Review status: criteria provided, single submitter. Criteria: ACMG Guidelines, 2015. Collection method: clinical testing. Allele origin: germline. Inheritance: Autosomal recessive inheritance. Affected: yes.
Comment: This sequence change creates a premature translational stop signal at codon 1218 (p.Arg1218*) of the AGL gene. It is expected to result in an absent or disrupted protein product. Loss-of-function variants in AGL are known to be pathogenic. This particular variant has been reported in individuals affected with glycogen storage disease type III (Lucchiari S et al). This variant has been reported to the ClinVar database as Pathogenic. The nucleotide change in AGL is predicted as conserved by GERP++ and PhyloP across 100 vertebrates. The variant is reported in gnomAD with the allele frequency of 0.00001064 and is novel (not in any individuals) in 1000 Genomes. For these reasons, this variant has been classified as Pathogenic.

Counsyl
Classification: Pathogenic for Glycogen storage disease type III. Last evaluated: 2017-09-14. Review status: no assertion criteria provided. Collection method: clinical testing. Allele origin: unknown. Not counted in ClinVar's aggregate classification.

Literature cited by the submitters: PubMed 19299494 (cited by Labcorp Genetics (formerly Invitae), Labcorp); PubMed 11977176 (cited by 4 submitters); PubMed 38623712 (cited by Dasa); PubMed 31661040 (cited by Natera, Inc.); PubMed 25451950 (cited by 3 submitters); PubMed 26984562 (cited by Natera, Inc. and Counsyl).